The following is an entry in ClinVar:

NM_000138.5(FBN1):c.8202C>T (p.Asn2734=)

Gene: FBN1 (fibrillin 1; minus strand). Cytogenetic location: 15q21.1.
Variant type: single nucleotide variant.
Coding change: c.8202C>T on transcript NM_000138.5 (MANE Select); coding-DNA position 8202, C replaced by T.
Protein change: p.Asn2734=; no amino-acid change (asparagine 2734 retained).
Molecular consequence: synonymous variant.
Genome position (GRCh38, 1-based): chr15:48,412,593, G>A on the plus strand (C>T on the coding strand, the complement: FBN1 is on the minus strand). VCF-style: chr15-48412593-G-A. GRCh37 (hg19) VCF-style: chr15-48704790-G-A.
Identifiers: ClinVar variation 316362 (VCV000316362.24), dbSNP rs113904256, ClinGen allele CA059755.
Genomic context (GRCh38, chr15:48,412,593, plus strand): 5'-ACAGGAGACATCAGGAGAAACTAACTTCTGACCCACCTCGATATTGGAGGCATCAGTTTC[G>A]TTTGTGCTTCTCCGTTTCCTGCCCCGTTTGGGGTAGCCATTGATCTTACACTCGTAACAA-3'
Protein context (NP_000129.3, residues 2724-2744): PKRGRKRRST[Asn2734=]ETDASNIEDQ

ClinVar aggregate classification (germline): Conflicting classifications of pathogenicity. Review status: criteria provided, conflicting classifications (1 of 4 stars). 13 submissions from 7 submitters: Uncertain significance (1); Benign (4); Likely benign (8). Last evaluated 2025-12-07.

Conditions:
Stiff skin syndrome (SSKS). Identifiers: Orphanet 2833, MedGen C1861456, MONDO:0008492, OMIM 184900.
Marfan syndrome (MFS). Also called: Marfan syndrome type 1; Marfan's syndrome; MARFAN SYNDROME, TYPE I; Marfan syndrome, classic; FBN1-Related Marfan Syndrome. Identifiers: Orphanet 284963, Orphanet 558, MedGen C0024796, MONDO:0007947, OMIM 154700.
Weill-Marchesani syndrome. Also called: WM Syndrome; Mesodermal dysmorphodystrophy congenital. Identifiers: Orphanet 3449, MedGen C0265313, MONDO:0018096.
Familial thoracic aortic aneurysm and aortic dissection (TAAD). Also called: Thoracic aortic aneurysms and dissections. Identifiers: Orphanet 91387, MedGen C4707243, MONDO:0019625.
Acromicric dysplasia (ACMICD). Also called: Acromicric skeletal dysplasia. Identifiers: Orphanet 969, MedGen C0265287, MONDO:0007055, OMIM 102370.
Ectopia lentis 1, isolated, autosomal dominant (ECTOL1). Identifiers: Orphanet 1885, MedGen C3541518, MONDO:0007514, OMIM 129600.
Geleophysic dysplasia. Identifiers: Orphanet 2623, MedGen C3489726, MONDO:0000127.

Allele frequency attached by ClinVar (database versions not stated): gnomAD exomes 0.00003 and 0.00002; TOPMed 0.00003; gnomAD 0.00004 and 0.00003; ExAC 0.00003.
gnomAD v4.1: 34 of 1,614,130 alleles (0.0021%); highest among the groups gnomAD compares: South Asian, 0.011%; no homozygotes.

Submissions (13):

Labcorp Genetics (formerly Invitae), Labcorp
Classification: Likely benign for Marfan syndrome; Familial thoracic aortic aneurysm and aortic dissection. Last evaluated: 2025-12-07. Review status: criteria provided, single submitter. Criteria: Invitae Variant Classification Sherloc (09022015). Collection method: clinical testing. Allele origin: germline.

Ambry Genetics
Classification: Likely benign for Familial thoracic aortic aneurysm and aortic dissection. Last evaluated: 2024-07-30. Review status: criteria provided, single submitter. Criteria: Ambry Variant Classification Scheme 2023. Collection method: clinical testing. Allele origin: germline.

Blueprint Genetics
Classification: Likely benign. Last evaluated: 2024-05-15. Review status: criteria provided, single submitter. Criteria: ACMG Guidelines, 2015. Collection method: clinical testing. Allele origin: germline.

All of Us Research Program, National Institutes of Health
Classification: Likely benign for Marfan syndrome. Last evaluated: 2023-12-01. Review status: criteria provided, single submitter. Criteria: ACMG Guidelines, 2015. Collection method: clinical testing. Allele origin: germline. Inheritance: Autosomal dominant inheritance. Observed: 5 variant alleles, 5 heterozygotes.
Comment: This study involves interpretation of variants in research participants for the purpose of population health screening. Participant phenotype was not available at the time of variant classification. Additional details can be found in publication PMID: 35346344, PMCID: PMC8962531

GeneDx
Classification: Likely benign. Last evaluated: 2021-09-21. Review status: criteria provided, single submitter. Criteria: GeneDx Variant Classification Process June 2021. Collection method: clinical testing. Allele origin: germline. Affected: yes.

Color Diagnostics, LLC DBA Color Health
Classification: Likely benign for Familial thoracic aortic aneurysm and aortic dissection. Last evaluated: 2019-02-28. Review status: criteria provided, single submitter. Criteria: ACMG Guidelines, 2015. Collection method: clinical testing. Allele origin: germline.

Illumina Laboratory Services, Illumina
Classification: Benign for Geleophysic dysplasia. Last evaluated: 2018-01-13. Review status: criteria provided, single submitter. Criteria: ICSL Variant Classification Criteria 13 December 2019. Collection method: clinical testing. Allele origin: germline.
Comment: This variant was observed in the ICSL laboratory as part of a predisposition screen in an ostensibly healthy population. It had not been previously curated by ICSL or reported in the Human Gene Mutation Database (HGMD: prior to June 1st, 2018), and was therefore a candidate for classification through an automated scoring system. Utilizing variant allele frequency, disease prevalence and penetrance estimates, and inheritance mode, an automated score was calculated to assess if this variant is too frequent to cause the disease. Based on the score and internal cut-off values, a variant classified as benign is not then subjected to further curation. The score for this variant resulted in a classification of benign for this disease.

Illumina Laboratory Services, Illumina
Classification: Benign for Acromicric dysplasia. Last evaluated: 2018-01-13. Review status: criteria provided, single submitter. Criteria: ICSL Variant Classification Criteria 13 December 2019. Collection method: clinical testing. Allele origin: germline.
Comment: the same text as in the submission from Illumina Laboratory Services, Illumina above.

Illumina Laboratory Services, Illumina
Classification: Likely benign for Marfan syndrome. Last evaluated: 2018-01-13. Review status: criteria provided, single submitter. Criteria: ICSL Variant Classification Criteria 13 December 2019. Collection method: clinical testing. Allele origin: germline.
Comment: This variant was observed in the ICSL laboratory as part of a predisposition screen in an ostensibly healthy population. It had not been previously curated by ICSL or reported in the Human Gene Mutation Database (HGMD: prior to June 1st, 2018), and was therefore a candidate for classification through an automated scoring system. Utilizing variant allele frequency, disease prevalence and penetrance estimates, and inheritance mode, an automated score was calculated to assess if this variant is too frequent to cause the disease. Based on the score and internal cut-off values, a variant classified as likely benign is not then subjected to further curation. The score for this variant resulted in a classification of likely benign for this disease.

Illumina Laboratory Services, Illumina
Classification: Likely benign for Weill-Marchesani syndrome. Last evaluated: 2018-01-13. Review status: criteria provided, single submitter. Criteria: ICSL Variant Classification Criteria 13 December 2019. Collection method: clinical testing. Allele origin: germline.
Comment: the same text as in the submission from Illumina Laboratory Services, Illumina above.

Illumina Laboratory Services, Illumina
Classification: Benign for Stiff skin syndrome. Last evaluated: 2018-01-13. Review status: criteria provided, single submitter. Criteria: ICSL Variant Classification Criteria 13 December 2019. Collection method: clinical testing. Allele origin: germline.
Comment: the same text as in the submission from Illumina Laboratory Services, Illumina above.

Illumina Laboratory Services, Illumina
Classification: Benign for Ectopia lentis 1, isolated, autosomal dominant. Last evaluated: 2018-01-13. Review status: criteria provided, single submitter. Criteria: ICSL Variant Classification Criteria 13 December 2019. Collection method: clinical testing. Allele origin: germline.
Comment: the same text as in the submission from Illumina Laboratory Services, Illumina above.

Illumina Laboratory Services, Illumina
Classification: Uncertain significance for Familial thoracic aortic aneurysm and aortic dissection. Last evaluated: 2018-01-13. Review status: criteria provided, single submitter. Criteria: ICSL Variant Classification Criteria 13 December 2019. Collection method: clinical testing. Allele origin: germline.